The following is an entry in ClinVar:

ClinVar aggregate classification (germline): Uncertain significance (1 of 4 stars; one submission).

Conditions:
Hereditary cancer-predisposing syndrome. Also called: Neoplastic Syndromes, Hereditary; Tumor predisposition; Hereditary neoplastic syndrome; Hereditary Cancer Syndrome. Identifiers: Orphanet 140162, MedGen C0027672, MeSH D009386, MONDO:0015356.

Submission:

Ambry Genetics
Classification: Uncertain significance for Hereditary cancer-predisposing syndrome. Last evaluated: 2023-02-23. Review status: criteria provided, single submitter. Criteria: Ambry Variant Classification Scheme 2023. Collection method: clinical testing. Allele origin: germline.
Comment: The p.L2718V variant (also known as c.8152T>G), located in coding exon 15 of the APC gene, results from a T to G substitution at nucleotide position 8152. The leucine at codon 2718 is replaced by valine, an amino acid with highly similar properties. This amino acid position is conserved. In addition, in silico predictors for this gene do not accurately predict pathogenicity. Since supporting evidence is limited at this time, the clinical significance of this alteration remains unclear.

NM_000038.6(APC):c.8152T>G (p.Leu2718Val)

Gene: APC (APC regulator of Wnt signaling pathway; plus strand). Cytogenetic location: 5q22.2.
Variant type: single nucleotide variant.
Coding change: c.8152T>G on transcript NM_000038.6 (MANE Select); coding-DNA position 8152, T replaced by G.
Protein change: p.Leu2718Val; replaces leucine 2718 with valine.
Molecular consequence: missense variant. On other transcripts: non-coding transcript variant (2).
Genome position (GRCh38, 1-based): chr5:112,843,746, T>G. VCF-style: chr5-112843746-T-G. GRCh37 (hg19) VCF-style: chr5-112179443-T-G.
Other names: c.8152T>G, p.Leu2718Val (NM_001127510.3, NM_001354895.2, NM_001407450.1); c.8098T>G, p.Leu2700Val (NM_001127511.3); c.8206T>G, p.Leu2736Val (NM_001354896.2, NM_001407447.1, NM_001407448.1 and 1 more transcripts); c.8182T>G, p.Leu2728Val (NM_001354897.2); c.8077T>G, p.Leu2693Val (NM_001354898.2); c.8068T>G, p.Leu2690Val (NM_001354899.2); c.8029T>G, p.Leu2677Val (NM_001354900.2); c.7975T>G, p.Leu2659Val (NM_001354901.2, NM_001407453.1); and 11 more; short protein forms L2635V, L2659V, L2677V, L2711V, L2728V, L2718V, L2736V, L2334V.
Identifiers: ClinVar variation 2452760 (VCV002452760.2), dbSNP rs2150000081, ClinGen allele CA16039027.